The following is an entry in ClinVar:

ClinVar aggregate classification (germline): Uncertain significance (1 of 4 stars; one submission).

Conditions:
Hereditary nonpolyposis colorectal neoplasms. Identifiers: MedGen C0009405, MeSH D003123.

Submission:

Labcorp Genetics (formerly Invitae), Labcorp
Classification: Uncertain significance for Hereditary nonpolyposis colorectal neoplasms. Last evaluated: 2018-02-24. Review status: criteria provided, single submitter. Criteria: Invitae Variant Classification Sherloc (09022015). Collection method: clinical testing. Allele origin: germline.
Comment: In summary, the available evidence is currently insufficient to determine the role of this variant in disease. Therefore, it has been classified as a Variant of Uncertain Significance. Algorithms developed to predict the effect of missense changes on protein structure and function (SIFT, PolyPhen-2, Align-GVGD) all suggest that this variant is likely to be disruptive, but these predictions have not been confirmed by published functional studies and their clinical significance is uncertain. This variant has not been reported in the literature in individuals with MSH6-related disease. This variant is not present in population databases (ExAC no frequency). This sequence change replaces lysine with threonine at codon 1319 of the MSH6 protein (p.Lys1319Thr). The lysine residue is highly conserved and there is a moderate physicochemical difference between lysine and threonine.

NM_000179.3(MSH6):c.3956A>C (p.Lys1319Thr)

Gene: MSH6 (mutS homolog 6; plus strand). Cytogenetic location: 2p16.3.
Variant type: single nucleotide variant.
Coding change: c.3956A>C on transcript NM_000179.3 (MANE Select); coding-DNA position 3956, A replaced by C.
Protein change: p.Lys1319Thr; replaces lysine 1319 with threonine.
Molecular consequence: missense variant.
Genome position (GRCh38, 1-based): chr2:47,806,606, A>C. VCF-style: chr2-47806606-A-C. GRCh37 (hg19) VCF-style: chr2-48033745-A-C.
Other names: c.3566A>C, p.Lys1189Thr (NM_001281492.2); c.3050A>C, p.Lys1017Thr (NM_001281493.2, NM_001281494.2); short protein forms K1319T, K1017T, K1189T.
Identifiers: ClinVar variation 582287 (VCV000582287.9), dbSNP rs876659383, ClinGen allele CA346761534.